The following is an entry in ClinVar:

ClinVar aggregate classification (germline): Uncertain significance (1 of 4 stars; one submission).

Submission:

Labcorp Genetics (formerly Invitae), Labcorp
Classification: Uncertain significance. Last evaluated: 2022-11-01. Review status: criteria provided, single submitter. Criteria: Invitae Variant Classification Sherloc (09022015). Collection method: clinical testing. Allele origin: germline.
Comment: In summary, the available evidence is currently insufficient to determine the role of this variant in disease. Therefore, it has been classified as a Variant of Uncertain Significance. Advanced modeling of protein sequence and biophysical properties (such as structural, functional, and spatial information, amino acid conservation, physicochemical variation, residue mobility, and thermodynamic stability) performed at Invitae indicates that this missense variant is not expected to disrupt SLC12A2 protein function. ClinVar contains an entry for this variant (Variation ID: 1358987). This variant has not been reported in the literature in individuals affected with SLC12A2-related conditions. This variant is not present in population databases (gnomAD no frequency). This sequence change replaces proline, which is neutral and non-polar, with leucine, which is neutral and non-polar, at codon 254 of the SLC12A2 protein (p.Pro254Leu).

NM_001046.3(SLC12A2):c.761C>T (p.Pro254Leu)

Gene: SLC12A2 (solute carrier family 12 member 2; plus strand). Cytogenetic location: 5q23.3.
Variant type: single nucleotide variant.
Coding change: c.761C>T on transcript NM_001046.3 (MANE Select); coding-DNA position 761, C replaced by T.
Protein change: p.Pro254Leu; replaces proline 254 with leucine.
Molecular consequence: missense variant. On other transcripts: non-coding transcript variant (1).
Genome position (GRCh38, 1-based): chr5:128,112,818, C>T. VCF-style: chr5-128112818-C-T. GRCh37 (hg19) VCF-style: chr5-127448510-C-T.
Other names: c.761C>T, p.Pro254Leu (NM_001256461.2); short protein forms P254L.
Identifiers: ClinVar variation 1358987 (VCV001358987.8), dbSNP rs1161538202, ClinGen allele CA360737658.
Genomic context (GRCh38, chr5:128,112,818, plus strand): 5'-CAAGTGATTTTAAATTTTAAATGTTAAGCATAATTCATATTTCTTTTTATAACCAGGAAC[C>T]TTTTGAGGATGGCTTTGCAAATGGGGAAGAAAGTACTCCAACCAGAGATGCTGTGGTCAC-3'
Protein context (NP_001037.1, residues 244-264): AELHDELEKE[Pro254Leu]FEDGFANGEE